The following is an entry in ClinVar:

ClinVar aggregate classification (germline): Uncertain significance. Review status: criteria provided, multiple submitters, no conflicts (2 of 4 stars). 2 submissions from 2 submitters: Uncertain significance (2). Last evaluated 2025-12-08.

Conditions:
Inborn genetic diseases. Identifiers: MedGen C0950123, MeSH D030342.
Meckel syndrome, type 11 (MKS11). Identifiers: Orphanet 564, MedGen C3809352, MONDO:0014164, OMIM 615397.
Joubert syndrome 20 (JBTS20). Identifiers: Orphanet 475, MedGen C3554235, MONDO:0013994, OMIM 614970.

Allele frequency attached by ClinVar (database versions not stated): ExAC 0.00001; gnomAD exomes 0.00001; gnomAD 0.00002 and 0.00003; TOPMed 0.00002.

Submissions (2):

Labcorp Genetics (formerly Invitae), Labcorp
Classification: Uncertain significance for Joubert syndrome 20; Meckel syndrome, type 11. Last evaluated: 2025-12-08. Review status: criteria provided, single submitter. Criteria: Invitae Variant Classification Sherloc (09022015). Collection method: clinical testing. Allele origin: germline.
Comment: This sequence change replaces arginine, which is basic and polar, with tryptophan, which is neutral and slightly polar, at codon 360 of the TMEM231 protein (p.Arg360Trp). This variant is present in population databases (rs770715825, gnomAD 0.003%). This variant has not been reported in the literature in individuals affected with TMEM231-related conditions. ClinVar contains an entry for this variant (Variation ID: 1399815). An algorithm developed to predict the effect of missense changes on protein structure and function outputs the following: PolyPhen-2: "Not Available". The tryptophan amino acid residue is found in multiple mammalian species, which suggests that this missense change does not adversely affect protein function. In summary, the available evidence is currently insufficient to determine the role of this variant in disease. Therefore, it has been classified as a Variant of Uncertain Significance.

Ambry Genetics
Classification: Uncertain significance for Inborn genetic diseases. Last evaluated: 2025-10-02. Review status: criteria provided, single submitter. Criteria: Ambry Variant Classification Scheme 2023. Collection method: clinical testing. Allele origin: germline.

NM_001077418.3(TMEM231):c.919C>T (p.Arg307Trp)

Gene: TMEM231 (transmembrane protein 231; minus strand). Cytogenetic location: 16q23.1.
Variant type: single nucleotide variant.
Coding change: c.919C>T on transcript NM_001077418.3 (MANE Select); coding-DNA position 919, C replaced by T.
Protein change: p.Arg307Trp; replaces arginine 307 with tryptophan.
Molecular consequence: missense variant. On other transcripts: non-coding transcript variant (1).
Genome position (GRCh38, 1-based): chr16:75,540,026, G>A on the plus strand (C>T on the coding strand, the complement: TMEM231 is on the minus strand). VCF-style: chr16-75540026-G-A. GRCh37 (hg19) VCF-style: chr16-75573924-G-A.
Other names: c.1006C>T (NM_001077416.1); c.1078C>T, p.Arg360Trp (NM_001077416.2); short protein forms R307W, R360W.
Identifiers: ClinVar variation 1399815 (VCV001399815.10), dbSNP rs770715825, ClinGen allele CA8175994.